The following is an entry in ClinVar:

NM_004104.5(FASN):c.5290G>A (p.Gly1764Ser)

Gene: FASN (fatty acid synthase; minus strand). Cytogenetic location: 17q25.3.
Variant type: single nucleotide variant.
Coding change: c.5290G>A on transcript NM_004104.5 (MANE Select); coding-DNA position 5290, G replaced by A.
Protein change: p.Gly1764Ser; replaces glycine 1764 with serine.
Molecular consequence: missense variant.
Genome position (GRCh38, 1-based): chr17:82,083,568, C>T on the plus strand (G>A on the coding strand, the complement: FASN is on the minus strand). VCF-style: chr17-82083568-C-T. GRCh37 (hg19) VCF-style: chr17-80041444-C-T.
Other names: short protein forms G1764S.
Identifiers: ClinVar variation 1516687 (VCV001516687.8), dbSNP rs1448700720, ClinGen allele CA401539524.

ClinVar aggregate classification (germline): Uncertain significance (1 of 4 stars; one submission).

Conditions:
Epileptic encephalopathy. Identifiers: MedGen C0543888, HP:0200134.

Allele frequency attached by ClinVar (database versions not stated): gnomAD exomes 0.00001.
gnomAD v4.1: 13 of 1,612,750 alleles (0.00081%); highest among the groups gnomAD compares: Non-Finnish European, 0.00085%; no homozygotes.

Submission:

Labcorp Genetics (formerly Invitae), Labcorp
Classification: Uncertain significance for Epileptic encephalopathy. Last evaluated: 2024-11-18. Review status: criteria provided, single submitter. Criteria: Invitae Variant Classification Sherloc (09022015). Collection method: clinical testing. Allele origin: germline.
Comment: This sequence change replaces glycine, which is neutral and non-polar, with serine, which is neutral and polar, at codon 1764 of the FASN protein (p.Gly1764Ser). This variant is not present in population databases (gnomAD no frequency). This variant has not been reported in the literature in individuals affected with FASN-related conditions. ClinVar contains an entry for this variant (Variation ID: 1516687). An algorithm developed to predict the effect of missense changes on protein structure and function (PolyPhen-2) suggests that this variant is likely to be disruptive. In summary, the available evidence is currently insufficient to determine the role of this variant in disease. Therefore, it has been classified as a Variant of Uncertain Significance.